The following is an entry in ClinVar:

NM_058216.3(RAD51C):c.1038T>A (p.Phe346Leu)

Gene: RAD51C (RAD51 paralog C; plus strand). Cytogenetic location: 17q22.
Variant type: single nucleotide variant.
Coding change: c.1038T>A on transcript NM_058216.3 (MANE Select); coding-DNA position 1038, T replaced by A.
Protein change: p.Phe346Leu; replaces phenylalanine 346 with leucine.
Molecular consequence: missense variant. On other transcripts: non-coding transcript variant (1).
Genome position (GRCh38, 1-based): chr17:58,734,129, T>A. VCF-style: chr17-58734129-T-A. GRCh37 (hg19) VCF-style: chr17-56811490-T-A.
Other names: short protein forms F346L.
Identifiers: ClinVar variation 1473973 (VCV001473973.13), dbSNP rs2144060353, ClinGen allele CA400365920.

ClinVar aggregate classification (germline): Conflicting classifications of pathogenicity. Review status: criteria provided, conflicting classifications (1 of 4 stars). 3 submissions from 3 submitters: Uncertain significance (2); Benign (1). Last evaluated 2025-09-25.

Conditions:
Fanconi anemia complementation group O. Also called: RAD51C-Related Fanconi Anemia. Identifiers: Orphanet 84, MedGen C3150653, MONDO:0013248, OMIM 613390.
Hereditary cancer-predisposing syndrome. Also called: Hereditary neoplastic syndrome; Tumor predisposition; Neoplastic Syndromes, Hereditary; Hereditary Cancer Syndrome. Identifiers: Orphanet 140162, MedGen C0027672, MeSH D009386, MONDO:0015356.

Submissions (3):

Ambry Genetics
Classification: Benign for Hereditary cancer-predisposing syndrome. Last evaluated: 2025-09-25. Review status: criteria provided, single submitter. Criteria: Ambry Variant Classification Scheme 2023. Collection method: clinical testing. Allele origin: germline.

GeneDx
Classification: Uncertain significance. Last evaluated: 2024-12-31. Review status: criteria provided, single submitter. Criteria: GeneDx Variant Classification Process June 2021. Collection method: clinical testing. Allele origin: germline. Affected: yes.
Comment: Not observed at significant frequency in large population cohorts (gnomAD); In silico analysis indicates that this missense variant does not alter protein structure/function; Has not been previously published as pathogenic or benign to our knowledge; This variant is associated with the following publications: (PMID: 14704354)

Labcorp Genetics (formerly Invitae), Labcorp
Classification: Uncertain significance for Fanconi anemia complementation group O. Last evaluated: 2021-01-07. Review status: criteria provided, single submitter. Criteria: Invitae Variant Classification Sherloc (09022015). Collection method: clinical testing. Allele origin: germline.
Comment: In summary, the available evidence is currently insufficient to determine the role of this variant in disease. Therefore, it has been classified as a Variant of Uncertain Significance. Algorithms developed to predict the effect of missense changes on protein structure and function (SIFT, PolyPhen-2, Align-GVGD) all suggest that this variant is likely to be tolerated, but these predictions have not been confirmed by published functional studies and their clinical significance is uncertain. This variant has not been reported in the literature in individuals with RAD51C-related conditions. This variant is not present in population databases (ExAC no frequency). This sequence change replaces phenylalanine with leucine at codon 346 of the RAD51C protein (p.Phe346Leu). The phenylalanine residue is moderately conserved and there is a small physicochemical difference between phenylalanine and leucine.